The following is an entry in ClinVar:

NM_000219.6(KCNE1):c.301G>C (p.Glu101Gln)

Gene: KCNE1 (potassium voltage-gated channel subfamily E regulatory subunit 1; minus strand). Cytogenetic location: 21q22.12.
Variant type: single nucleotide variant.
Coding change: c.301G>C on transcript NM_000219.6 (MANE Select); coding-DNA position 301, G replaced by C.
Protein change: p.Glu101Gln; replaces glutamic acid 101 with glutamine.
Molecular consequence: missense variant.
Genome position (GRCh38, 1-based): chr21:34,449,334, C>G on the plus strand (G>C on the coding strand, the complement: KCNE1 is on the minus strand). VCF-style: chr21-34449334-C-G. GRCh37 (hg19) VCF-style: chr21-35821632-C-G.
Other names: c.301G>C, p.Glu101Gln (NM_001127668.4, NM_001127669.4, NM_001127670.4 and 4 more transcripts); short protein forms E101Q.
Identifiers: ClinVar variation 3374575 (VCV003374575.2).

Conditions:
Long QT syndrome 5 (LQT5). Identifiers: Orphanet 101016, Orphanet 768, MedGen C1867904, MONDO:0013372, OMIM 613695.

Submission:

Roden Lab, Vanderbilt University Medical Center
No classification provided (evidence only). Condition: Long QT syndrome 5. Review status: no classification provided. Collection method: in vitro. Allele origin: not applicable. Functional consequence: Effect on ion channel function.
ClinVar note: "not provided" was previously submitted as the classification for the variant. However, the classification appeared to be based only on an observation of functional data so it was converted to no classification on 2025-07-30.